The following is an entry in ClinVar:

ClinVar aggregate classification (germline): Pathogenic. Review status: criteria provided, multiple submitters, no conflicts (2 of 4 stars). 3 submissions from 3 submitters: Pathogenic (3). Last evaluated 2024-12-12.

Conditions:
Hereditary nonpolyposis colorectal neoplasms. Identifiers: MedGen C0009405, MeSH D003123.
Hereditary cancer-predisposing syndrome. Also called: Neoplastic Syndromes, Hereditary; Tumor predisposition; Hereditary Cancer Syndrome; Hereditary neoplastic syndrome. Identifiers: Orphanet 140162, MedGen C0027672, MeSH D009386, MONDO:0015356.
Lynch syndrome 5 (LYNCH5). Also called: Colorectal cancer, hereditary nonpolyposis, type 5; Hereditary non-polyposis colorectal cancer, type 5. Identifiers: Orphanet 144, MedGen C1833477, MONDO:0013710, OMIM 614350. Disease mechanism: loss of function.

Submissions (3):

Labcorp Genetics (formerly Invitae), Labcorp
Classification: Pathogenic for Hereditary nonpolyposis colorectal neoplasms. Last evaluated: 2024-12-12. Review status: criteria provided, single submitter. Criteria: Invitae Variant Classification Sherloc (09022015). Collection method: clinical testing. Allele origin: germline.
Comment: This sequence change creates a premature translational stop signal (p.Lys1233Leufs*8) in the MSH6 gene. It is expected to result in an absent or disrupted protein product. Loss-of-function variants in MSH6 are known to be pathogenic (PMID: 18269114, 24362816). This variant is not present in population databases (gnomAD no frequency). This variant has not been reported in the literature in individuals affected with MSH6-related conditions. ClinVar contains an entry for this variant (Variation ID: 1733984). For these reasons, this variant has been classified as Pathogenic.

Myriad Genetics, Inc.
Classification: Pathogenic for Lynch syndrome 5. Last evaluated: 2023-08-24. Review status: criteria provided, single submitter. Criteria: Myriad Autosomal Dominant, Autosomal Recessive and X-Linked Classification Criteria (2023). Collection method: clinical testing. Allele origin: unknown.
Comment: This variant is considered pathogenic. This variant creates a frameshift predicted to result in premature protein truncation.

Ambry Genetics
Classification: Pathogenic for Hereditary cancer-predisposing syndrome. Last evaluated: 2017-11-06. Review status: criteria provided, single submitter. Criteria: Ambry Variant Classification Scheme 2023. Collection method: clinical testing. Allele origin: germline.
Comment: The c.3694_3695dupGT pathogenic mutation, located in coding exon 8 of the MSH6 gene, results from a duplication of GT at nucleotide position 3694, causing a translational frameshift with a predicted alternate stop codon (p.K1233Lfs*8). This alteration is expected to result in loss of function by premature protein truncation or nonsense-mediated mRNA decay. As such, this alteration is interpreted as a disease-causing mutation.

Literature cited by the submitters: PubMed 18269114 (cited by Labcorp Genetics (formerly Invitae), Labcorp); PubMed 24362816 (cited by Labcorp Genetics (formerly Invitae), Labcorp).

NM_000179.3(MSH6):c.3694_3695dup (p.Lys1233fs)

Gene: MSH6 (mutS homolog 6; plus strand). Cytogenetic location: 2p16.3.
Variant type: Duplication.
Coding change: c.3694_3695dup on transcript NM_000179.3 (MANE Select); coding-DNA positions 3694 to 3695, 2 bases duplicated (GT; older notation c.3694_3695dupGT).
Protein change: p.Lys1233fs; shifts the reading frame from lysine 1233.
Molecular consequence: frameshift variant.
Genome position (GRCh38, 1-based): chr2:47,806,251-47,806,252, GT duplicated; duplicating any 2 consecutive bases within chr2:47,806,250-47,806,252 gives the same sequence; the c. name uses the placement nearest the transcript's 3' end. VCF-style (leftmost placement, unchanged base first): chr2-47806249-T-TTG. GRCh37 (hg19) VCF-style: chr2-48033388-T-TTG.
Other names: c.3304_3305dup, p.Lys1103fs (NM_001281492.2); c.2788_2789dup, p.Lys931fs (NM_001281493.2, NM_001281494.2); c.3790_3791dup, p.Lys1265Leufs (NM_001406795.1, NM_001406802.1); c.3694_3695dup, p.Lys1233Leufs (NM_001406796.1, NM_001406800.1, NM_001406808.1 and 1 more transcripts); c.3397_3398dup, p.Lys1134Leufs (NM_001406797.1, NM_001406801.1, NM_001406805.1 and 10 more transcripts); c.3520_3521dup, p.Lys1175Leufs (NM_001406798.1); c.3169_3170dup, p.Lys1058Leufs (NM_001406799.1, NM_001406806.1, NM_001406807.1); c.2830_2831dup, p.Lys945Leufs (NM_001406803.1); and 9 more; short protein forms K931fs, K1103fs, K1233fs.
Identifiers: ClinVar variation 1733984 (VCV001733984.5), dbSNP rs2530839954, ClinGen allele CA2580067284.